The following is an entry in ClinVar:

NM_000414.4(HSD17B4):c.1842_1843insTA (p.Thr615Ter)

Gene: HSD17B4 (hydroxysteroid 17-beta dehydrogenase 4; plus strand). Cytogenetic location: 5q23.1.
Variant type: Insertion.
Coding change: c.1842_1843insTA on transcript NM_000414.4 (MANE Select); coding-DNA positions 1842 to 1843, TA inserted.
Protein change: p.Thr615Ter; replaces threonine 615 with a stop codon.
Molecular consequence: nonsense. On other transcripts: non-coding transcript variant (2).
Genome position: GRCh38 VCF-style: chr5-119529968-G-GTA. GRCh37 (hg19) VCF-style: chr5-118865663-G-GTA.
Other names: c.1917_1918insTA, p.Thr640Ter (NM_001199291.3); c.1788_1789insTA, p.Thr597Ter (NM_001199292.2); c.1770_1771insTA, p.Thr591Ter (NM_001292027.2, NM_001374498.1); c.1422_1423insTA, p.Thr475Ter (NM_001292028.2); c.1833_1834insTA, p.Thr612Ter (NM_001374497.1); c.1515_1516insTA, p.Thr506Ter (NM_001374499.1); c.1401_1402insTA, p.Thr468Ter (NM_001374500.1); c.1431_1432insTA, p.Thr478Ter (NM_001374501.1, NM_001374502.1, NM_001374503.1); short protein forms T468*, T475*, T478*, T506*, T591*, T597*, T612*, T615*.
Identifiers: ClinVar variation 4818345 (VCV004818345.1).

ClinVar aggregate classification (germline): Likely pathogenic (1 of 4 stars; one submission).

Conditions:
Bifunctional peroxisomal enzyme deficiency (DBIF). Also called: DBP DEFICIENCY; PBFE DEFICIENCY; D-bifunctional protein deficiency. Identifiers: Orphanet 300, MedGen C0342870, MONDO:0009855, OMIM 261515. Disease mechanism: loss of function.

Submission:

Natera, Inc.
Classification: Likely pathogenic for Bifunctional peroxisomal enzyme deficiency. Last evaluated: 2025-09-07. Review status: criteria provided, single submitter. Criteria: Natera Variant Classification Schema (03/2026). Collection method: clinical testing. Allele origin: germline.
Comment: The c.1842_1843insTA variant in HSD17B4 is a frameshift variant predicted to shift the reading frame and introduce a stop codon. This variant is expected to result in nonsense mediated decay, truncation, or a dysfunctional protein product. This variant is rare in the general population with a frequency below the threshold expected for the associated phenotype(s). Given the available evidence, this variant is classified as Likely Pathogenic.